The following is an entry in ClinVar:

NM_000052.7(ATP7A):c.3970G>A (p.Val1324Ile)

Gene: ATP7A (ATPase copper transporting alpha; plus strand). Cytogenetic location: Xq21.1.
Variant type: single nucleotide variant.
Coding change: c.3970G>A on transcript NM_000052.7 (MANE Select); coding-DNA position 3970, G replaced by A.
Protein change: p.Val1324Ile; replaces valine 1324 with isoleucine.
Molecular consequence: missense variant. On other transcripts: non-coding transcript variant (1).
Genome position (GRCh38, 1-based): chrX:78,042,753, G>A. VCF-style: chrX-78042753-G-A. GRCh37 (hg19) VCF-style: chrX-77298251-G-A.
Other names: c.3736G>A, p.Val1246Ile (NM_001282224.2); c.3970G>A (NM_000052.4); short protein forms V1324I, V1246I.
Identifiers: ClinVar variation 195449 (VCV000195449.13), dbSNP rs782692001, ClinGen allele CA241876.

ClinVar aggregate classification (germline): Uncertain significance. Review status: criteria provided, multiple submitters, no conflicts (2 of 4 stars). 3 submissions from 3 submitters: Uncertain significance (3). Last evaluated 2025-08-01.

Conditions:
Inborn genetic diseases. Identifiers: MedGen C0950123, MeSH D030342.
Menkes kinky-hair syndrome (MNK). Also called: Copper transport disease; Menkes Disease; Classic Menkes Disease. Identifiers: Orphanet 565, MedGen C0022716, MONDO:0010651, OMIM 309400.
Cutis laxa, X-linked (OHS). Also called: EDS IX; Occipital horn syndrome. Identifiers: Orphanet 198, MedGen C0268353, MONDO:0010572, OMIM 304150.
X-linked distal spinal muscular atrophy type 3. Also called: SPINAL MUSCULAR ATROPHY, DISTAL, X-LINKED RECESSIVE; NEURONOPATHY, DISTAL HEREDITARY MOTOR, X-LINKED; NEUROPATHY, DISTAL HEREDITARY MOTOR, X-LINKED; ATP7A-Related Distal Motor Neuropathy. Identifiers: Orphanet 139557, MedGen C1845359, MONDO:0010338, OMIM 300489.

Allele frequency attached by ClinVar (database versions not stated): gnomAD exomes below 0.00001.
gnomAD v4.1: 4 of 1,211,759 alleles (0.00033%); highest among the groups gnomAD compares: Non-Finnish European, 0.00045%; no homozygotes.

Submissions (3):

Ambry Genetics
Classification: Uncertain significance for Inborn genetic diseases. Last evaluated: 2025-08-01. Review status: criteria provided, single submitter. Criteria: Ambry Variant Classification Scheme 2023. Collection method: clinical testing. Allele origin: germline.

Labcorp Genetics (formerly Invitae), Labcorp
Classification: Uncertain significance for X-linked distal spinal muscular atrophy type 3; Cutis laxa, X-linked; Menkes kinky-hair syndrome. Last evaluated: 2023-11-24. Review status: criteria provided, single submitter. Criteria: Invitae Variant Classification Sherloc (09022015). Collection method: clinical testing. Allele origin: germline.
Comment: This sequence change replaces valine, which is neutral and non-polar, with isoleucine, which is neutral and non-polar, at codon 1324 of the ATP7A protein (p.Val1324Ile). This variant is not present in population databases (gnomAD no frequency). This variant has not been reported in the literature in individuals affected with ATP7A-related conditions. ClinVar contains an entry for this variant (Variation ID: 195449). Advanced modeling of protein sequence and biophysical properties (such as structural, functional, and spatial information, amino acid conservation, physicochemical variation, residue mobility, and thermodynamic stability) has been performed at Invitae for this missense variant, however the output from this modeling did not meet the statistical confidence thresholds required to predict the impact of this variant on ATP7A protein function. In summary, the available evidence is currently insufficient to determine the role of this variant in disease. Therefore, it has been classified as a Variant of Uncertain Significance.

Eurofins Ntd Llc (ga)
Classification: Uncertain significance. Last evaluated: 2015-02-11. Review status: criteria provided, single submitter. Criteria: EGL Classification Definitions 2015. Collection method: clinical testing. Allele origin: germline. Observed: 1 variant allele, 1 hemizygote.